The following is an entry in ClinVar:

ClinVar aggregate classification (germline): Uncertain significance (1 of 4 stars; one submission).

Submission:

GeneDx
Classification: Uncertain significance. Last evaluated: 2021-10-22. Review status: criteria provided, single submitter. Criteria: GeneDx Variant Classification Process June 2021. Collection method: clinical testing. Allele origin: germline. Affected: yes.
Comment: Not observed at significant frequency in large population cohorts (gnomAD); In silico analysis supports that this missense variant has a deleterious effect on protein structure/function; Has not been previously published as pathogenic or benign to our knowledge

NM_001378120.1(MBD5):c.2768C>T (p.Pro923Leu)

Gene: MBD5 (methyl-CpG binding domain protein 5; plus strand). Cytogenetic location: 2q23.1.
Variant type: single nucleotide variant.
Coding change: c.2768C>T on transcript NM_001378120.1 (MANE Select); coding-DNA position 2768, C replaced by T.
Protein change: p.Pro923Leu; replaces proline 923 with leucine.
Molecular consequence: missense variant.
Genome position (GRCh38, 1-based): chr2:148,483,359, C>T. VCF-style: chr2-148483359-C-T. GRCh37 (hg19) VCF-style: chr2-149240928-C-T.
Other names: c.2768C>T, p.Pro923Leu (NM_018328.5); short protein forms P923L.
Identifiers: ClinVar variation 1678691 (VCV001678691.2), dbSNP rs2105073568, ClinGen allele CA348722656.